The following is an entry in ClinVar:

ClinVar aggregate classification (germline): Conflicting classifications of pathogenicity. Review status: criteria provided, conflicting classifications (1 of 4 stars). 7 submissions from 7 submitters: Uncertain significance (1); Likely benign (5). 1 of the submissions does not count toward it. Last evaluated 2026-03-01.

Conditions:
Fanconi anemia complementation group I (FANCI). Also called: FANCI-Related Fanconi Anemia. Identifiers: Orphanet 84, MedGen C1836861, MONDO:0012186, OMIM 609053.
FANCI-related disorder. Also called: FANCI-related condition.
Fanconi anemia (FA). Also called: Fanconi's anemia. Identifiers: Orphanet 84, MedGen C0015625, MeSH D005199, MONDO:0019391.

Allele frequency attached by ClinVar (database versions not stated): gnomAD exomes 0.00013 and 0.00027; TOPMed 0.00014; ESP Exome Variant Server 0.00015; gnomAD 0.00015 and 0.00016; ExAC 0.00020.
gnomAD v4.1: 409 of 1,613,758 alleles (0.025%); highest among the groups gnomAD compares: Non-Finnish European, 0.033%; 1 homozygote.

Submissions (7):

CeGaT Center for Human Genetics Tuebingen
Classification: Likely benign. Last evaluated: 2026-03-01. Review status: criteria provided, single submitter. Criteria: CeGaT Center For Human Genetics Tuebingen Variant Classification Criteria Version 2. Collection method: clinical testing. Allele origin: germline. Affected: yes. Observed: 2 variant alleles.
Comment: FANCI: BP4, BP7

Labcorp Genetics (formerly Invitae), Labcorp
Classification: Likely benign for Fanconi anemia. Last evaluated: 2026-01-22. Review status: criteria provided, single submitter. Criteria: Invitae Variant Classification Sherloc (09022015). Collection method: clinical testing. Allele origin: germline.

Laboratory of Genetics, Children's Clinical University Hospital Latvia
Classification: Likely benign. Last evaluated: 2025-02-16. Review status: criteria provided, single submitter. Criteria: ACMG Guidelines, 2015. Collection method: clinical testing. Allele origin: germline. Affected: yes.

Blueprint Genetics
Classification: Likely benign. Last evaluated: 2024-11-19. Review status: criteria provided, single submitter. Criteria: ACMG Guidelines, 2015. Collection method: clinical testing. Allele origin: germline.

Genetic Services Laboratory, University of Chicago
Classification: Likely benign. Last evaluated: 2020-12-23. Review status: criteria provided, single submitter. Criteria: ACMG Guidelines, 2015. Collection method: clinical testing. Allele origin: germline. Affected: no.

Illumina Laboratory Services, Illumina
Classification: Uncertain significance for Fanconi anemia complementation group I. Last evaluated: 2018-01-13. Review status: criteria provided, single submitter. Criteria: ICSL Variant Classification Criteria 13 December 2019. Collection method: clinical testing. Allele origin: germline.

PreventionGenetics, part of Exact Sciences
Classification: Likely benign for FANCI-related condition. Last evaluated: 2019-12-09. Review status: no assertion criteria provided. Collection method: clinical testing. Allele origin: germline. Not counted in ClinVar's aggregate classification.
Comment: This variant is classified as likely benign based on ACMG/AMP sequence variant interpretation guidelines (Richards et al. 2015 PMID: 25741868, with internal and published modifications).

NM_001113378.2(FANCI):c.1939T>C (p.Leu647=)

Gene: FANCI (FA complementation group I; plus strand). Cytogenetic location: 15q26.1.
Variant type: single nucleotide variant.
Coding change: c.1939T>C on transcript NM_001113378.2 (MANE Select); coding-DNA position 1939, T replaced by C.
Protein change: p.Leu647=; no amino-acid change (leucine 647 retained).
Molecular consequence: synonymous variant.
Genome position (GRCh38, 1-based): chr15:89,291,661, T>C. VCF-style: chr15-89291661-T-C. GRCh37 (hg19) VCF-style: chr15-89834892-T-C.
Other names: c.1660T>C, p.Leu554= (NM_001376910.1); c.1939T>C, p.Leu647= (NM_001376911.1, NM_018193.3).
Identifiers: ClinVar variation 526435 (VCV000526435.31), dbSNP rs150231327, ClinGen allele CA7723221.